The following is an entry in ClinVar:

NM_213720.3(CHCHD10):c.-2C>T

Gene: CHCHD10 (coiled-coil-helix-coiled-coil-helix domain containing 10; minus strand). Cytogenetic location: 22q11.23.
Variant type: single nucleotide variant.
Coding change: c.-2C>T on transcript NM_213720.3 (MANE Select); 2 bases upstream of the start codon, C replaced by T.
Molecular consequence: 5 prime UTR variant. On other transcripts: non-coding transcript variant (2).
Genome position (GRCh38, 1-based): chr22:23,767,876, G>A on the plus strand (C>T on the coding strand, the complement: CHCHD10 is on the minus strand). VCF-style: chr22-23767876-G-A. GRCh37 (hg19) VCF-style: chr22-24110063-G-A.
Other names: c.-2C>T (NM_001301339.2).
Identifiers: ClinVar variation 5040414 (VCV005040414.1).
Genomic context (GRCh38, chr22:23,767,876, plus strand): 5'-CCCTTGTCCCCCTCACACCTGGCTGGCCGGGAGGCCGCGCTGCGGCTTCCCCGAGGCATG[G>A]TGGCGGCGGTGGGACCCGGGCGACCTTAGAGACGGCGGCAGCGGTGCTGTCGCGGGGACA-3'

ClinVar aggregate classification (germline): Likely benign (1 of 4 stars; one submission).

gnomAD v4.1: 8 of 1,509,596 alleles (0.00053%); highest among the groups gnomAD compares: South Asian, 0.0012%; no homozygotes.

Submission:

CeGaT Center for Human Genetics Tuebingen
Classification: Likely benign. Last evaluated: 2026-08-01. Review status: criteria provided, single submitter. Criteria: CeGaT Center For Human Genetics Tuebingen Variant Classification Criteria Version 2. Collection method: clinical testing. Allele origin: germline. Affected: yes. Observed: 1 variant allele.
Comment: CHCHD10: BP4